The following is an entry in ClinVar:

NM_152564.5(VPS13B):c.4984A>G (p.Thr1662Ala)

Gene: VPS13B (vacuolar protein sorting 13 homolog B; plus strand). Cytogenetic location: 8q22.2.
Variant type: single nucleotide variant.
Coding change: c.4984A>G on transcript NM_152564.5 (MANE Select); coding-DNA position 4984, A replaced by G.
Protein change: p.Thr1662Ala; replaces threonine 1662 with alanine.
Molecular consequence: missense variant.
Genome position (GRCh38, 1-based): chr8:99,575,692, A>G. VCF-style: chr8-99575692-A-G. GRCh37 (hg19) VCF-style: chr8-100587920-A-G.
Other names: c.5059A>G, p.Thr1687Ala (NM_017890.5); short protein forms T1662A, T1687A.
Identifiers: ClinVar variation 4803816 (VCV004803816.1).
Genomic context (GRCh38, chr8:99,575,692, plus strand): 5'-TAATAATCTTTTACTCTATCTTTTAGCATACGGCGGCATCAAGAAAGGAGAGCAATTTTG[A>G]CCCCCGTTTTGACAGATTTTTCTGTCCGAATAACTGGAGCACCTGCTGTCATTTTCACCA-3'
Protein context (NP_689777.3, residues 1652-1672): RRHQERRAIL[Thr1662Ala]PVLTDFSVRI

ClinVar aggregate classification (germline): Uncertain significance (1 of 4 stars; one submission).

Conditions:
Cohen syndrome (COH1). Also called: PEPPER SYNDROME; Cutis verticis gyrata, retinitis pigmentosa, and sensorineural deafness. Identifiers: Orphanet 193, MedGen C0265223, MONDO:0008999, OMIM 216550.

gnomAD v4.1: 1 of 1,613,620 alleles (0.000062%); highest among the groups gnomAD compares: East Asian, 0.0022%; no homozygotes.

Submission:

Labcorp Genetics (formerly Invitae), Labcorp
Classification: Uncertain significance for Cohen syndrome. Last evaluated: 2025-04-17. Review status: criteria provided, single submitter. Criteria: Invitae Variant Classification Sherloc (09022015). Collection method: clinical testing. Allele origin: germline.
Comment: This sequence change replaces threonine, which is neutral and polar, with alanine, which is neutral and non-polar, at codon 1687 of the VPS13B protein (p.Thr1687Ala). This variant is not present in population databases (gnomAD no frequency). This variant has not been reported in the literature in individuals affected with VPS13B-related conditions. Invitae Evidence Modeling of protein sequence and biophysical properties (such as structural, functional, and spatial information, amino acid conservation, physicochemical variation, residue mobility, and thermodynamic stability) indicates that this missense variant is expected to disrupt VPS13B protein function with a positive predictive value of 80%. In summary, the available evidence is currently insufficient to determine the role of this variant in disease. Therefore, it has been classified as a Variant of Uncertain Significance.